The following is an entry in ClinVar:

NM_017934.7(PHIP):c.368dup (p.Ala124fs)

Gene: PHIP (PHIP subunit of CUL4-Ring ligase complex; minus strand). Cytogenetic location: 6q14.1.
Variant type: Duplication.
Coding change: c.368dup on transcript NM_017934.7 (MANE Select); coding-DNA position 368, one base duplicated (C; older notation c.368dupC).
Protein change: p.Ala124fs; shifts the reading frame from alanine 124.
Molecular consequence: frameshift variant.
Genome position (GRCh38, 1-based): chr6:79,060,549, G duplicated on the plus strand (C on the coding strand, the reverse complement: PHIP is on the minus strand). VCF-style (leftmost placement, unchanged base first): chr6-79060548-A-AG. GRCh37 (hg19) VCF-style: chr6-79770265-A-AG.
Other names: short protein forms A124fs.
Identifiers: ClinVar variation 3638700 (VCV003638700.2).

ClinVar aggregate classification (germline): Pathogenic (1 of 4 stars; one submission).

Submission:

Labcorp Genetics (formerly Invitae), Labcorp
Classification: Pathogenic. Last evaluated: 2024-02-03. Review status: criteria provided, single submitter. Criteria: Invitae Variant Classification Sherloc (09022015). Collection method: clinical testing. Allele origin: germline.
Comment: This sequence change creates a premature translational stop signal (p.Ala124Cysfs*12) in the PHIP gene. It is expected to result in an absent or disrupted protein product. Loss-of-function variants in PHIP are known to be pathogenic (PMID: 27900362). This variant is not present in population databases (gnomAD no frequency). This variant has not been reported in the literature in individuals affected with PHIP-related conditions. For these reasons, this variant has been classified as Pathogenic.

Literature cited by the submitters: PubMed 27900362.